The following is an entry in ClinVar:

ClinVar aggregate classification (germline): Benign/Likely benign. Review status: criteria provided, multiple submitters, no conflicts (2 of 4 stars). 3 submissions from 3 submitters: Benign (1); Likely benign (2). Last evaluated 2025-03-26.

Conditions:
Hereditary cancer-predisposing syndrome. Also called: Tumor predisposition; Neoplastic Syndromes, Hereditary; Hereditary Cancer Syndrome; Hereditary neoplastic syndrome. Identifiers: Orphanet 140162, MedGen C0027672, MeSH D009386, MONDO:0015356.
BAP1-related tumor predisposition syndrome (TPDS1). Also called: BAP1 tumor predisposition syndrome; COMMON Syndrome; TUMOR PREDISPOSITION SYNDROME 1; Tumor susceptibility linked to germline BAP1 mutations. Identifiers: Orphanet 289539, MedGen C3280492, MONDO:0013692, OMIM 614327.

gnomAD v4.1: 1 of 1,614,110 alleles (0.000062%); highest among the groups gnomAD compares: Non-Finnish European, 0.000085%; no homozygotes.

Submissions (3):

Ambry Genetics
Classification: Likely benign for Hereditary cancer-predisposing syndrome. Last evaluated: 2025-03-26. Review status: criteria provided, single submitter. Criteria: Ambry Variant Classification Scheme 2023. Collection method: clinical testing. Allele origin: germline.

Myriad Genetics, Inc.
Classification: Benign for BAP1-related tumor predisposition syndrome. Last evaluated: 2024-07-16. Review status: criteria provided, single submitter. Criteria: Myriad Autosomal Dominant, Autosomal Recessive and X-Linked Classification Criteria (2023). Collection method: clinical testing. Allele origin: unknown.
Comment: This variant is considered benign. This variant is a silent/synonymous amino acid change and it is not expected to impact splicing.

Labcorp Genetics (formerly Invitae), Labcorp
Classification: Likely benign for BAP1-related tumor predisposition syndrome. Last evaluated: 2019-10-19. Review status: criteria provided, single submitter. Criteria: Invitae Variant Classification Sherloc (09022015). Collection method: clinical testing. Allele origin: germline.

NM_004656.4(BAP1):c.1605T>C (p.Asp535=)

Gene: BAP1 (BRCA1 associated deubiquitinase 1; minus strand). Cytogenetic location: 3p21.1.
Variant type: single nucleotide variant.
Coding change: c.1605T>C on transcript NM_004656.4 (MANE Select); coding-DNA position 1605, T replaced by C.
Protein change: p.Asp535=; no amino-acid change (aspartic acid 535 retained).
Molecular consequence: synonymous variant.
Genome position (GRCh38, 1-based): chr3:52,403,540, A>G on the plus strand (T>C on the coding strand, the complement: BAP1 is on the minus strand). VCF-style: chr3-52403540-A-G. GRCh37 (hg19) VCF-style: chr3-52437556-A-G.
Other names: c.1605T>C (NM_004656.2).
Identifiers: ClinVar variation 1158815 (VCV001158815.9), dbSNP rs2153226644, ClinGen allele CA433886043.